The following is an entry in ClinVar:

ClinVar aggregate classification (germline): Pathogenic (1 of 4 stars; one submission).

Conditions:
Hypertrophic cardiomyopathy. Also called: HYPERTROPHIC MYOCARDIOPATHY. Identifiers: Orphanet 217569, MedGen C0007194, MeSH D002312, MONDO:0005045, HP:0001639.

Submission:

Labcorp Genetics (formerly Invitae), Labcorp
Classification: Pathogenic for Hypertrophic cardiomyopathy. Last evaluated: 2020-07-17. Review status: criteria provided, single submitter. Criteria: Invitae Variant Classification Sherloc (09022015). Collection method: clinical testing. Allele origin: germline.
Comment: This variant results in the deletion of exon(s) 13-18 (c.1090+1_1790+141del) of the MYBPC3 gene. It is expected to disrupt RNA splicing and likely results in an absent or disrupted protein product. This variant has not been reported in the literature in individuals with MYBPC3-related conditions. This variant disrupts the p.Gly531Arg amino acid residue in MYBPC3. Other variant(s) that disrupt this residue have been determined to be pathogenic (PMID: 18533079, 21750094, 27600940, 28356264, 23508784). This suggests that this residue is clinically significant, and that variants that disrupt this residue are likely to be disease-causing. Loss-of-function variants in MYBPC3 are known to be pathogenic (PMID: 19574547). For these reasons, this variant has been classified as Pathogenic.

Literature cited by the submitters: PubMed 18533079; PubMed 21750094; PubMed 27600940; PubMed 28356264; PubMed 23508784; PubMed 19574547.

NC_000011.9:g.(?_47363401)_47367757del

Gene: MYBPC3 (myosin binding protein C3; minus strand).
Variant type: Deletion.
Identifiers: ClinVar variation 1075725 (VCV001075725.2).